The following is an entry in ClinVar:

NM_182760.4(SUMF1):c.270+1del

Genes: SUMF1 (sulfatase modifying factor 1; minus strand), LOC129936056 (ATAC-STARR-seq lymphoblastoid silent region 14016; plus strand). Cytogenetic location: 3p26.1.
Variant type: Deletion.
Coding change: c.270+1del on transcript NM_182760.4 (MANE Select); the canonical splice donor site of the intron after coding-DNA position 270, one base deleted (G; older notation c.270+1delG).
Molecular consequence: splice donor variant.
Genome position (GRCh38, 1-based): chr3:4,466,975, C deleted on the plus strand (G on the coding strand, the reverse complement: SUMF1 is on the minus strand); the first of 2 consecutive C bases (chr3:4,466,975-4,466,976); deleting either gives the same sequence. VCF-style (leftmost placement, unchanged base first): chr3-4466974-AC-A. GRCh37 (hg19) VCF-style: chr3-4508658-AC-A.
Other names: c.270+1delG (NM_182760.4); c.270+1del (NM_001164674.2, NM_001164675.2).
Identifiers: ClinVar variation 987791 (VCV000987791.2), dbSNP rs2079966206, ClinGen allele CA1139657847.

ClinVar aggregate classification (germline): Likely pathogenic (1 of 4 stars; one submission).

Conditions:
Multiple sulfatase deficiency (MSD). Also called: Multiple Sulfatase Deficiency Disease; Mucosulfatidosis; Sulfatidosis, Juvenile, Austin Type. Identifiers: Orphanet 585, MedGen C0268263, MONDO:0010088, OMIM 272200.

Submission:

Women's Health and Genetics/Laboratory Corporation of America, LabCorp
Classification: Likely pathogenic for Multiple sulfatase deficiency. Last evaluated: 2023-09-29. Review status: criteria provided, single submitter. Criteria: LabCorp Variant Classification Summary - May 2015. Collection method: clinical testing. Allele origin: germline.
Comment: Variant summary: SUMF1 c.270+1delG is located in a canonical splice-site and is predicted to affect mRNA splicing resulting in a significantly altered protein due to either exon skipping, shortening, or inclusion of intronic material. Several computational tools predict a significant impact on normal splicing: One predict the variant abolishes the 5' canonical splicing donor site. One predict the variant weakens the 5' canonical splicing donor site. However, these predictions have yet to be confirmed by functional studies. The variant was absent in 228506 control chromosomes. To our knowledge, no occurrence of c.270+1delG in individuals affected with Multiple Sulfatase Deficiency and no experimental evidence demonstrating its impact on protein function have been reported. No submitters have cited clinical-significance assessments for this variant to ClinVar after 2014. Based on the evidence outlined above, the variant was classified as likely pathogenic.